The following is an entry in ClinVar:

NM_001458.5(FLNC):c.2603_2604delinsT (p.Ser868fs)

Gene: FLNC (filamin C; plus strand). Cytogenetic location: 7q32.1.
Variant type: Indel.
Coding change: c.2603_2604delinsT on transcript NM_001458.5 (MANE Select); coding-DNA positions 2603 to 2604, GC replaced by T.
Protein change: p.Ser868fs; shifts the reading frame from serine 868.
Molecular consequence: frameshift variant.
Genome position (GRCh38, 1-based): chr7:128,843,281-128,843,282, GC replaced by T. VCF-style: chr7-128843281-GC-T. GRCh37 (hg19) VCF-style: chr7-128483335-GC-T.
Other names: c.2603_2604delinsT, p.Ser868fs (NM_001127487.2); short protein forms S868fs.
Identifiers: ClinVar variation 968269 (VCV000968269.6), dbSNP rs1808416556, ClinGen allele CA1139660251.

ClinVar aggregate classification (germline): Pathogenic (1 of 4 stars; one submission).

Conditions:
Myofibrillar myopathy 5. Also called: FILAMINOPATHY, AUTOSOMAL DOMINANT; Filaminopathy (type). Identifiers: Orphanet 171445, MedGen C1836050, MONDO:0012289, OMIM 609524.
Distal myopathy with posterior leg and anterior hand involvement. Also called: WILLIAMS DISTAL MYOPATHY. Identifiers: Orphanet 63273, MedGen C3279722, MONDO:0013550, OMIM 614065.
Hypertrophic cardiomyopathy 26. Also called: Cardiomyopathy, familial hypertrophic, 26. Identifiers: Orphanet 75249, MedGen C4310749, MONDO:0014883, OMIM 617047.

Submission:

Labcorp Genetics (formerly Invitae), Labcorp
Classification: Pathogenic for Distal myopathy with posterior leg and anterior hand involvement; Myofibrillar myopathy 5; Hypertrophic cardiomyopathy 26. Last evaluated: 2019-06-14. Review status: criteria provided, single submitter. Criteria: Invitae Variant Classification Sherloc (09022015). Collection method: clinical testing. Allele origin: germline.
Comment: For these reasons, this variant has been classified as Pathogenic. This variant has not been reported in the literature in individuals with FLNC-related conditions. Loss-of-function variants in FLNC are known to be pathogenic (PMID: 27908349). This variant is not present in population databases (ExAC no frequency). This sequence change creates a premature translational stop signal (p.Ser868Thrfs*10) in the FLNC gene. It is expected to result in an absent or disrupted protein product.

Literature cited by the submitters: PubMed 27908349.